The following is an entry in ClinVar:

ClinVar aggregate classification (germline): Likely benign (1 of 4 stars; one submission).

Conditions:
Lynch syndrome 5 (LYNCH5). Also called: Colorectal cancer, hereditary nonpolyposis, type 5; Hereditary non-polyposis colorectal cancer, type 5. Identifiers: Orphanet 144, MedGen C1833477, MONDO:0013710, OMIM 614350. Disease mechanism: loss of function.

gnomAD v4.1: 1 of 1,601,920 alleles (0.000062%); highest among the groups gnomAD compares: East Asian, 0.0022%; no homozygotes.

Submission:

Myriad Genetics, Inc.
Classification: Likely benign for Lynch syndrome 5. Last evaluated: 2025-01-07. Review status: criteria provided, single submitter. Criteria: Myriad Autosomal Dominant, Autosomal Recessive and X-Linked Classification Criteria (2023). Collection method: clinical testing. Allele origin: unknown.
Comment: This variant is considered likely benign. This variant is intronic and is not expected to impact mRNA splicing.

NM_000179.3(MSH6):c.3557-8T>C

Gene: MSH6 (mutS homolog 6; plus strand). Cytogenetic location: 2p16.3.
Variant type: single nucleotide variant.
Coding change: c.3557-8T>C on transcript NM_000179.3 (MANE Select); 8 bases into the intron before coding-DNA position 3557, T replaced by C.
Molecular consequence: intron variant.
Genome position (GRCh38, 1-based): chr2:47,805,610, T>C. VCF-style: chr2-47805610-T-C. GRCh37 (hg19) VCF-style: chr2-48032749-T-C.
Other names: c.3557-8T>C (NM_001406809.1, NM_001406796.1, NM_001406808.1 and 1 more transcripts); c.2651-8T>C (NM_001406811.1, NM_001406814.1, NM_001281493.2 and 6 more transcripts); c.3260-8T>C (NM_001406805.1, NM_001406797.1, NM_001406801.1 and 10 more transcripts); c.3653-8T>C (NM_001406795.1, NM_001406802.1); c.3563-8T>C (NM_001406813.1); c.3032-8T>C (NM_001406807.1, NM_001406799.1, NM_001406806.1); c.3383-8T>C (NM_001406798.1); c.2693-8T>C (NM_001406803.1); and 7 more.
Identifiers: ClinVar variation 3903703 (VCV003903703.1).